The following is an entry in ClinVar:

ClinVar aggregate classification (germline): Uncertain significance. Review status: criteria provided, multiple submitters, no conflicts (2 of 4 stars). 5 submissions from 5 submitters: Uncertain significance (4). 1 of the submissions does not count toward it. Last evaluated 2026-08-17.

Conditions:
Inborn genetic diseases. Identifiers: MedGen C0950123, MeSH D030342.
LCA5-related disorder. Also called: LCA5-related condition.
Leber congenital amaurosis 5 (LCA5). Also called: Amaurosis congenita of Leber, type 5. Identifiers: Orphanet 65, MedGen C1858301, MONDO:0011473, OMIM 604537.

Allele frequency attached by ClinVar (database versions not stated): TOPMed 0.00003; gnomAD exomes 0.00004 and 0.00006; ExAC 0.00005; gnomAD 0.00005 and 0.00006.
gnomAD v4.1: 68 of 1,613,888 alleles (0.0042%); highest among the groups gnomAD compares: Middle Eastern, 0.18%; 1 homozygote.

Submissions (5):

PreventionGenetics, part of Exact Sciences
Classification: Uncertain significance for LCA5-related condition. Last evaluated: 2026-08-17. Review status: criteria provided, single submitter. Criteria: ACMG Guidelines, 2015. Collection method: clinical testing. Allele origin: germline.
Comment: The LCA5 c.1489T>C variant is predicted to result in the amino acid substitution p.Ser497Pro. To our knowledge, this variant has not been reported in the literature. This variant is reported in 0.029% of alleles in individuals of South Asian descent in gnomAD. At this time, the clinical significance of this variant is uncertain due to the absence of conclusive functional and genetic evidence.

Labcorp Genetics (formerly Invitae), Labcorp
Classification: Uncertain significance. Last evaluated: 2024-10-28. Review status: criteria provided, single submitter. Criteria: Invitae Variant Classification Sherloc (09022015). Collection method: clinical testing. Allele origin: germline.
Comment: This sequence change replaces serine, which is neutral and polar, with proline, which is neutral and non-polar, at codon 497 of the LCA5 protein (p.Ser497Pro). This variant is present in population databases (rs773531972, gnomAD 0.03%). This variant has not been reported in the literature in individuals affected with LCA5-related conditions. ClinVar contains an entry for this variant (Variation ID: 845165). Invitae Evidence Modeling of protein sequence and biophysical properties (such as structural, functional, and spatial information, amino acid conservation, physicochemical variation, residue mobility, and thermodynamic stability) indicates that this missense variant is not expected to disrupt LCA5 protein function with a negative predictive value of 80%. In summary, the available evidence is currently insufficient to determine the role of this variant in disease. Therefore, it has been classified as a Variant of Uncertain Significance.

Blueprint Genetics
Classification: Uncertain significance. Last evaluated: 2024-10-15. Review status: criteria provided, single submitter. Criteria: ACMG Guidelines, 2015. Collection method: clinical testing. Allele origin: germline.

Ambry Genetics
Classification: Uncertain significance for Inborn genetic diseases. Last evaluated: 2022-12-20. Review status: criteria provided, single submitter. Criteria: Ambry Variant Classification Scheme 2023. Collection method: clinical testing. Allele origin: germline.

Natera, Inc.
Classification: Uncertain significance for Leber congenital amaurosis type 5. Last evaluated: 2020-02-26. Review status: no assertion criteria provided. Collection method: clinical testing. Allele origin: germline. Not counted in ClinVar's aggregate classification.

NM_001122769.3(LCA5):c.1489T>C (p.Ser497Pro)

Gene: LCA5 (lebercilin LCA5; minus strand). Cytogenetic location: 6q14.1.
Variant type: single nucleotide variant.
Coding change: c.1489T>C on transcript NM_001122769.3 (MANE Select); coding-DNA position 1489, T replaced by C.
Protein change: p.Ser497Pro; replaces serine 497 with proline.
Molecular consequence: missense variant.
Genome position (GRCh38, 1-based): chr6:79,487,609, A>G on the plus strand (T>C on the coding strand, the complement: LCA5 is on the minus strand). VCF-style: chr6-79487609-A-G. GRCh37 (hg19) VCF-style: chr6-80197326-A-G.
Other names: c.1489T>C, p.Ser497Pro (NM_181714.4); short protein forms S497P.
Identifiers: ClinVar variation 845165 (VCV000845165.7), dbSNP rs773531972, ClinGen allele CA3900821.
Genomic context (GRCh38, chr6:79,487,609, plus strand): 5'-TCTCTGAGGATTCAGAGAACCTGTATGTTTTGGGGCTTCTCTCTGGGGAGTGTAGTTTTG[A>G]TTCAAAATCAGGTAACAATGGCAAAACAGGGTATTTTAGATTTCGAGAATCTTGGAGTTC-3'
Protein context (NP_001116241.1, residues 487-507): PVLPLLPDFE[Ser497Pro]KLHSPERSPK